The following is an entry in ClinVar:

NM_001854.4(COL11A1):c.3658C>T (p.Pro1220Ser)

Gene: COL11A1 (collagen type XI alpha 1 chain; minus strand). Cytogenetic location: 1p21.1.
Variant type: single nucleotide variant.
Coding change: c.3658C>T on transcript NM_001854.4 (MANE Select); coding-DNA position 3658, C replaced by T.
Protein change: p.Pro1220Ser; replaces proline 1220 with serine.
Molecular consequence: missense variant. On other transcripts: non-coding transcript variant (1).
Genome position (GRCh38, 1-based): chr1:102,921,568, G>A on the plus strand (C>T on the coding strand, the complement: COL11A1 is on the minus strand). VCF-style: chr1-102921568-G-A. GRCh37 (hg19) VCF-style: chr1-103387124-G-A.
Other names: c.3541C>T, p.Pro1181Ser (NM_001190709.2); c.3694C>T, p.Pro1232Ser (NM_080629.3); c.3310C>T, p.Pro1104Ser (NM_080630.4); short protein forms P1232S, P1181S, P1220S, P1104S.
Identifiers: ClinVar variation 3691059 (VCV003691059.2).
Genomic context (GRCh38, chr1:102,921,568, plus strand): 5'-GAGTTCTTACATCAGCTCCATTGGGACCTTGAGGGCCTCTTGGGCCTGGAGGACCAGGTG[G>A]CCCCTGTAAGAGAGAAATATTGAGGTTTACAAAGACCAAATTCAAATGTGTTTCCAACAT-3'
Protein context (NP_001845.3, residues 1210-1230): GENGDVGPMG[Pro1220Ser]PGPPGPRGPQ

ClinVar aggregate classification (germline): Uncertain significance (1 of 4 stars; one submission).

gnomAD v4.1: 4 of 1,612,304 alleles (0.00025%); highest among the groups gnomAD compares: South Asian, 0.0033%; no homozygotes.

Submission:

Labcorp Genetics (formerly Invitae), Labcorp
Classification: Uncertain significance. Last evaluated: 2024-02-13. Review status: criteria provided, single submitter. Criteria: Invitae Variant Classification Sherloc (09022015). Collection method: clinical testing. Allele origin: germline.
Comment: This sequence change replaces proline, which is neutral and non-polar, with serine, which is neutral and polar, at codon 1220 of the COL11A1 protein (p.Pro1220Ser). This variant is present in population databases (rs772204282, gnomAD 0.003%). This variant has not been reported in the literature in individuals affected with COL11A1-related conditions. Advanced modeling of protein sequence and biophysical properties (such as structural, functional, and spatial information, amino acid conservation, physicochemical variation, residue mobility, and thermodynamic stability) has been performed at Invitae for this missense variant, however the output from this modeling did not meet the statistical confidence thresholds required to predict the impact of this variant on COL11A1 protein function. In summary, the available evidence is currently insufficient to determine the role of this variant in disease. Therefore, it has been classified as a Variant of Uncertain Significance.